The following is an entry in ClinVar:

ClinVar aggregate classification (germline): Likely benign. Review status: criteria provided, multiple submitters, no conflicts (2 of 4 stars). 3 submissions from 3 submitters: Likely benign (3). Last evaluated 2026-01-19.

Conditions:
Hereditary cancer-predisposing syndrome. Also called: Hereditary Cancer Syndrome; Neoplastic Syndromes, Hereditary; Hereditary neoplastic syndrome; Tumor predisposition. Identifiers: Orphanet 140162, MedGen C0027672, MeSH D009386, MONDO:0015356.
Cardiovascular phenotype. Identifiers: MedGen CN230736.

Allele frequency attached by ClinVar (database versions not stated): gnomAD exomes 0.00001 and 0.00002; ExAC 0.00002; TOPMed 0.00003; gnomAD 0.00005; ESP Exome Variant Server 0.00008.
gnomAD v4.1: 35 of 1,613,402 alleles (0.0022%); highest among the groups gnomAD compares: African/African-American, 0.0053%; no homozygotes.

Submissions (3):

Labcorp Genetics (formerly Invitae), Labcorp
Classification: Likely benign. Last evaluated: 2026-01-19. Review status: criteria provided, single submitter. Criteria: Invitae Variant Classification Sherloc (09022015). Collection method: clinical testing. Allele origin: germline.

CeGaT Center for Human Genetics Tuebingen
Classification: Likely benign. Last evaluated: 2025-01-01. Review status: criteria provided, single submitter. Criteria: CeGaT Center For Human Genetics Tuebingen Variant Classification Criteria Version 2. Collection method: clinical testing. Allele origin: germline. Affected: yes. Observed: 1 variant allele.
Comment: LZTR1: BP4, BP7

Ambry Genetics
Classification: Likely benign for Cardiovascular phenotype; Hereditary cancer-predisposing syndrome. Last evaluated: 2020-09-30. Review status: criteria provided, single submitter. Criteria: Ambry Variant Classification Scheme 2023. Collection method: clinical testing. Allele origin: germline.

NM_006767.4(LZTR1):c.1299C>T (p.Tyr433=)

Gene: LZTR1 (leucine zipper like post translational regulator 1; plus strand). Cytogenetic location: 22q11.21.
Variant type: single nucleotide variant.
Coding change: c.1299C>T on transcript NM_006767.4 (MANE Select); coding-DNA position 1299, C replaced by T.
Protein change: p.Tyr433=; no amino-acid change (tyrosine 433 retained).
Molecular consequence: synonymous variant.
Genome position (GRCh38, 1-based): chr22:20,993,700, C>T. VCF-style: chr22-20993700-C-T. GRCh37 (hg19) VCF-style: chr22-21347989-C-T.
Identifiers: ClinVar variation 1620494 (VCV001620494.23), dbSNP rs148969689, ClinGen allele CA10118806.
Genomic context (GRCh38, chr22:20,993,700, plus strand): 5'-TCTCACTGGGCCCCTCTTGCAGTTCTCCTGTTACCCTAAATGCACGCTGCACGAGGACTA[C>T]GGGCGGCTGTGGGAGAGCCGCCAGTTCTGCGACGTGGAGTTCGTGCTGGGTGAGGTGGGT-3'
Protein context (NP_006758.2, residues 423-443): CYPKCTLHED[Tyr433=]GRLWESRQFC